The following is an entry in ClinVar:

NM_000090.4(COL3A1):c.3092A>C (p.Lys1031Thr)

Gene: COL3A1 (collagen type III alpha 1 chain; plus strand). Cytogenetic location: 2q32.2.
Variant type: single nucleotide variant.
Coding change: c.3092A>C on transcript NM_000090.4 (MANE Select); coding-DNA position 3092, A replaced by C.
Protein change: p.Lys1031Thr; replaces lysine 1031 with threonine.
Molecular consequence: missense variant.
Genome position (GRCh38, 1-based): chr2:189,006,258, A>C. VCF-style: chr2-189006258-A-C. GRCh37 (hg19) VCF-style: chr2-189870984-A-C.
Other names: short protein forms K1031T.
Identifiers: ClinVar variation 629487 (VCV000629487.2), dbSNP rs749725146, ClinGen allele CA349844992.

ClinVar aggregate classification (germline): Uncertain significance (1 of 4 stars; one submission).

Conditions:
Familial thoracic aortic aneurysm and aortic dissection (TAAD). Also called: Thoracic aortic aneurysms and dissections. Identifiers: Orphanet 91387, MedGen C4707243, MONDO:0019625.

Submission:

Color Diagnostics, LLC DBA Color Health
Classification: Uncertain significance for Familial thoracic aortic aneurysm and aortic dissection. Last evaluated: 2018-10-09. Review status: criteria provided, single submitter. Criteria: ACMG Guidelines, 2015. Collection method: clinical testing. Allele origin: germline.
Comment: Variant of Uncertain Significance due to insufficient evidence: This variant is located in the triple-helical region of the COL3A1 protein. Computational prediction tools and conservation analyses suggest that this variant may have deleterious impact on the protein function. This variant is located 2 base pair upstream of the intron 42 splice donor site and predicted to impact splicing by computational splicing tools. To our knowledge, functional assays have not been performed for this variant nor has this variant been reported in individuals affected with cardiovascular disorders in the literature. This variant is rare in the general population and has been identified in 0/277264 chromosomes by the Genome Aggregation Database (gnomAD). Available evidence is insufficient to determine the pathogenicity of this variant conclusively.